The following is an entry in ClinVar:

NM_001374385.1(ATP8B1):c.1822A>G (p.Arg608Gly)

Gene: ATP8B1 (ATPase phospholipid transporting 8B1; minus strand). Cytogenetic location: 18q21.31.
Variant type: single nucleotide variant.
Coding change: c.1822A>G on transcript NM_001374385.1 (MANE Select); coding-DNA position 1822, A replaced by G.
Protein change: p.Arg608Gly; replaces arginine 608 with glycine.
Molecular consequence: missense variant.
Genome position (GRCh38, 1-based): chr18:57,671,578, T>C on the plus strand (A>G on the coding strand, the complement: ATP8B1 is on the minus strand). VCF-style: chr18-57671578-T-C. GRCh37 (hg19) VCF-style: chr18-55338810-T-C.
Other names: c.1672A>G, p.Arg558Gly (NM_001374386.1); c.1822A>G, p.Arg608Gly (NM_005603.6); short protein forms R608G, R558G.
Identifiers: ClinVar variation 5001899 (VCV005001899.1).

ClinVar aggregate classification (germline): Uncertain significance (1 of 4 stars; one submission).

Conditions:
ATP8B1-related disorder. Also called: ATP8B1-related disorders; ATP8B1-related condition.

gnomAD v4.1: 1 of 1,603,074 alleles (0.000062%); highest among the groups gnomAD compares: Non-Finnish European, 0.000085%; no homozygotes.

Submission:

PreventionGenetics, part of Exact Sciences
Classification: Uncertain significance for ATP8B1-related condition. Last evaluated: 2025-12-04. Review status: criteria provided, single submitter. Criteria: ACMG Guidelines, 2015. Collection method: clinical testing. Allele origin: germline.
Comment: The ATP8B1 c.1822A>G variant is predicted to result in the amino acid substitution p.Arg608Gly. This variant is located immediately adjacent to a canonical splice site and predicted to alter splicing based on available splicing prediction programs (SpliceAI, Jaganathan et al. 2019. PubMed ID: 30661751). However, the use of computer prediction programs is not equivalent to functional evidence. To our knowledge, this variant has not been reported in the literature or in a large population database (gnomAD), indicating this variant is rare. At this time, the clinical significance of this variant is uncertain due to the absence of conclusive functional and genetic evidence.